The following is an entry in ClinVar:

NM_031935.3(HMCN1):c.6029-4T>C

Gene: HMCN1 (hemicentin 1; plus strand). Cytogenetic location: 1q31.1.
Variant type: single nucleotide variant.
Coding change: c.6029-4T>C on transcript NM_031935.3 (MANE Select); 4 bases into the intron before coding-DNA position 6029, T replaced by C.
Molecular consequence: intron variant.
Genome position (GRCh38, 1-based): chr1:186,039,724, T>C. VCF-style: chr1-186039724-T-C. GRCh37 (hg19) VCF-style: chr1-186008856-T-C.
Identifiers: ClinVar variation 294169 (VCV000294169.18), dbSNP rs10911803, ClinGen allele CA1292449.

ClinVar aggregate classification (germline): Benign/Likely benign. Review status: criteria provided, multiple submitters, no conflicts (2 of 4 stars). 7 submissions from 7 submitters: Benign (4); Likely benign (1). 2 of the submissions do not count toward it. Last evaluated 2026-01-21.

Conditions:
Age related macular degeneration 1 (ARMD1). Also called: MACULOPATHY, AGE-RELATED, 1. Identifiers: MedGen C1864205, MONDO:0011285, OMIM 603075.

Allele frequency attached by ClinVar (database versions not stated): gnomAD exomes 0.00068 and 0.00166; ExAC 0.00210; gnomAD 0.00637 and 0.00676; 1000 Genomes Project 0.00699; TOPMed 0.00750; 1000 Genomes Project 30x 0.00765.
gnomAD v4.1: 2,014 of 1,613,304 alleles (0.12%); highest among the groups gnomAD compares: African/African-American, 2.2%; 21 homozygotes.

Submissions (7):

Labcorp Genetics (formerly Invitae), Labcorp
Classification: Benign. Last evaluated: 2026-01-21. Review status: criteria provided, single submitter. Criteria: Invitae Variant Classification Sherloc (09022015). Collection method: clinical testing. Allele origin: germline.

Genomic Medicine Center of Excellence, King Faisal Specialist Hospital and Research Centre
Classification: Likely benign. Last evaluated: 2025-08-18. Review status: criteria provided, single submitter. Criteria: ACMG Guidelines, 2015. Collection method: clinical testing. Allele origin: germline.

Genome-Nilou Lab
Classification: Benign for Age related macular degeneration 1. Last evaluated: 2023-04-11. Review status: criteria provided, single submitter. Criteria: ACMG Guidelines, 2015. Collection method: clinical testing. Allele origin: germline. Affected: no.

Illumina Laboratory Services, Illumina
Classification: Benign for Age related macular degeneration 1. Last evaluated: 2018-01-13. Review status: criteria provided, single submitter. Criteria: ICSL Variant Classification Criteria 13 December 2019. Collection method: clinical testing. Allele origin: germline.
Comment: This variant was observed in the ICSL laboratory as part of a predisposition screen in an ostensibly healthy population. It had not been previously curated by ICSL or reported in the Human Gene Mutation Database (HGMD: prior to June 1st, 2018), and was therefore a candidate for classification through an automated scoring system. Utilizing variant allele frequency, disease prevalence and penetrance estimates, and inheritance mode, an automated score was calculated to assess if this variant is too frequent to cause the disease. Based on the score and internal cut-off values, a variant classified as benign is not then subjected to further curation. The score for this variant resulted in a classification of benign for this disease.

Breakthrough Genomics
Classification: Benign. Review status: criteria provided, single submitter. Criteria: ACMG Guidelines, 2015. Collection method: not provided. Allele origin: germline. Inheritance: Autosomal dominant inheritance. Affected: yes.

Clinical Genetics DNA and cytogenetics Diagnostics Lab, Erasmus MC, Erasmus Medical Center
Classification: Likely benign. Review status: no assertion criteria provided. Collection method: clinical testing. Allele origin: germline. Affected: yes. Study: VKGL Data-share Consensus. Not counted in ClinVar's aggregate classification.

Laboratory of Diagnostic Genome Analysis, Leiden University Medical Center (LUMC)
Classification: Likely benign. Review status: no assertion criteria provided. Collection method: clinical testing. Allele origin: germline. Affected: yes. Study: VKGL Data-share Consensus. Not counted in ClinVar's aggregate classification.